The following is an entry in ClinVar:

ClinVar aggregate classification (germline): Uncertain significance (1 of 4 stars; one submission).

gnomAD v4.1: 5 of 1,530,968 alleles (0.00033%); highest among the groups gnomAD compares: Non-Finnish European, 0.00044%; no homozygotes.

Submission:

Women's Health and Genetics/Laboratory Corporation of America, LabCorp
Classification: Uncertain significance. Last evaluated: 2024-06-19. Review status: criteria provided, single submitter. Criteria: LabCorp Variant Classification Summary - May 2015. Collection method: clinical testing. Allele origin: germline.
Comment: Variant summary: CACNA1A c.*631C>T is located in the untranslated mRNA region downstream of the termination codon. The frequency data for this variant in gnomAD is considered unreliable, as metrics indicate poor data quality at this position. To our knowledge, no occurrence of c.*631C>T in individuals affected with Epileptic Encephalopathy, Early Infantile, 42 and no experimental evidence demonstrating its impact on protein function have been reported. No submitters have cited clinical-significance assessments for this variant to ClinVar. Based on the evidence outlined above, the variant was classified as uncertain significance.

NM_001127222.2(CACNA1A):c.7419C>T (p.Pro2473=)

Gene: CACNA1A (calcium voltage-gated channel subunit alpha1 A; minus strand). Cytogenetic location: 19p13.13.
Variant type: single nucleotide variant.
Coding change: c.7419C>T on transcript NM_001127222.2 (MANE Select); coding-DNA position 7419, C replaced by T.
Protein change: p.Pro2473=; no amino-acid change (proline 2473 retained).
Molecular consequence: synonymous variant. On other transcripts: 3 prime UTR variant (3).
Genome position (GRCh38, 1-based): chr19:13,207,415, G>A on the plus strand (C>T on the coding strand, the complement: CACNA1A is on the minus strand). VCF-style: chr19-13207415-G-A. GRCh37 (hg19) VCF-style: chr19-13318229-G-A.
Other names: c.*631C>T (NM_000068.4, NM_001127221.2, NM_001174080.2); c.7437C>T, p.Pro2479= (NM_023035.3).
Identifiers: ClinVar variation 3339969 (VCV003339969.1).
Genomic context (GRCh38, chr19:13,207,415, plus strand): 5'-GCCCTTCCTGGAGCCCGGCCCGCGGGGCCTGGCCAGTCCGTGCGCCGGGTAGTAGCCGTT[G>A]GGGAGTCGCCGGCCGTGCCGAGAAGGCGAGGCGCAGGCCGGGCCCGAGGCCCGGGGAGTC-3'
Protein context (NP_001120694.1, residues 2463-2483): ASPSRHGRRL[Pro2473=]NGYYPAHGLA